The following is an entry in ClinVar:

NM_022168.4(IFIH1):c.926G>C (p.Arg309Thr)

Gene: IFIH1 (interferon induced with helicase C domain 1; minus strand). Cytogenetic location: 2q24.2.
Variant type: single nucleotide variant.
Coding change: c.926G>C on transcript NM_022168.4 (MANE Select); coding-DNA position 926, G replaced by C.
Protein change: p.Arg309Thr; replaces arginine 309 with threonine.
Molecular consequence: missense variant.
Genome position (GRCh38, 1-based): chr2:162,288,304, C>G on the plus strand (G>C on the coding strand, the complement: IFIH1 is on the minus strand). VCF-style: chr2-162288304-C-G. GRCh37 (hg19) VCF-style: chr2-163144814-C-G.
Other names: short protein forms R309T.
Identifiers: ClinVar variation 2197829 (VCV002197829.4), dbSNP rs2468971517, ClinGen allele CA349004897.

ClinVar aggregate classification (germline): Uncertain significance (1 of 4 stars; one submission).

Conditions:
Aicardi-Goutieres syndrome 7 (AGS7). Identifiers: Orphanet 51, MedGen C3888244, MONDO:0014367, OMIM 615846.
Singleton-Merten syndrome 1 (SGMRT1). Also called: Widened medullary cavities of bone, aortic calcification, abnormal dentition, and muscular weakness; Syndrome of widened medullary cavities of the metacarpals and phalanges, aortic calcification and abnormal dentition. Identifiers: Orphanet 85191, MedGen C4225427, MONDO:0024535, OMIM 182250.

Submission:

Labcorp Genetics (formerly Invitae), Labcorp
Classification: Uncertain significance for Aicardi-Goutieres syndrome 7; Singleton-Merten syndrome 1. Last evaluated: 2023-10-03. Review status: criteria provided, single submitter. Criteria: Invitae Variant Classification Sherloc (09022015). Collection method: clinical testing. Allele origin: germline.
Comment: This sequence change replaces arginine, which is basic and polar, with threonine, which is neutral and polar, at codon 309 of the IFIH1 protein (p.Arg309Thr). This variant is not present in population databases (gnomAD no frequency). This variant has not been reported in the literature in individuals affected with IFIH1-related conditions. ClinVar contains an entry for this variant (Variation ID: 2197829). Advanced modeling of protein sequence and biophysical properties (such as structural, functional, and spatial information, amino acid conservation, physicochemical variation, residue mobility, and thermodynamic stability) has been performed at Invitae for this missense variant, however the output from this modeling did not meet the statistical confidence thresholds required to predict the impact of this variant on IFIH1 protein function. In summary, the available evidence is currently insufficient to determine the role of this variant in disease. Therefore, it has been classified as a Variant of Uncertain Significance.